The following is an entry in ClinVar:

ClinVar aggregate classification (germline): Uncertain significance (1 of 4 stars; one submission).

Submission:

Ambry Genetics
Classification: Uncertain significance. Last evaluated: 2024-05-12. Review status: criteria provided, single submitter. Criteria: Ambry Variant Classification Scheme 2023. Collection method: clinical testing. Allele origin: germline.
Comment: The p.D477G variant (also known as c.1430A>G), located in coding exon 12 of the A2ML1 gene, results from an A to G substitution at nucleotide position 1430. The aspartic acid at codon 477 is replaced by glycine, an amino acid with similar properties. This amino acid position is conserved. In addition, this alteration is predicted to be tolerated by in silico analysis. Based on the available evidence, the clinical significance of this variant remains unclear.

NM_144670.6(A2ML1):c.1430A>G (p.Asp477Gly)

Gene: A2ML1 (alpha-2-macroglobulin like 1; plus strand). Cytogenetic location: 12p13.31.
Variant type: single nucleotide variant.
Coding change: c.1430A>G on transcript NM_144670.6 (MANE Select); coding-DNA position 1430, A replaced by G.
Protein change: p.Asp477Gly; replaces aspartic acid 477 with glycine.
Molecular consequence: missense variant.
Genome position (GRCh38, 1-based): chr12:8,843,315, A>G. VCF-style: chr12-8843315-A-G. GRCh37 (hg19) VCF-style: chr12-8995911-A-G.
Other names: short protein forms D477G.
Identifiers: ClinVar variation 3291112 (VCV003291112.1).